The following is an entry in ClinVar:

NM_007294.4(BRCA1):c.1175_1218del (p.Leu392fs)

Gene: BRCA1 (BRCA1 DNA repair associated; minus strand). Cytogenetic location: 17q21.31.
Variant type: Deletion.
Coding change: c.1175_1218del on transcript NM_007294.4 (MANE Select); coding-DNA positions 1175 to 1218, 44 bases deleted.
Protein change: p.Leu392fs; shifts the reading frame from leucine 392.
Molecular consequence: frameshift variant. On other transcripts: intron variant (137).
Genome position (GRCh38, 1-based): chr17:43,094,313-43,094,356, 44 bases deleted. GRCh37 (hg19): chr17:41,246,330-41,246,373.
Other names: 1294del44; c.1097_1140del, p.Leu366fs (NM_001407656.1, NM_001407657.1, NM_001407658.1 and 4 more transcripts); c.1094_1137del, p.Leu365fs (NM_001407659.1, NM_001407660.1, NM_001407661.1 and 1 more transcripts); c.1052_1095del, p.Leu351fs (NM_001407664.1, NM_001407665.1, NM_001407666.1 and 19 more transcripts); c.1049_1092del, p.Leu350fs (NM_001407670.1, NM_001407671.1, NM_001407672.1 and 11 more transcripts); c.1175_1218del, p.Leu392fs (NM_001407684.1, NM_001407854.1, NM_001407858.1 and 30 more transcripts); c.1034_1077del, p.Leu345fs (NM_001407692.1, NM_001407694.1, NM_001407695.1 and 29 more transcripts); c.1031_1074del, p.Leu344fs (NM_001407740.1, NM_001407741.1, NM_001407742.1 and 20 more transcripts); and 41 more; short protein forms L392fs, L345fs, L264fs, L304fs, L325fs, L351fs, L281fs, L321fs.
Identifiers: ClinVar variation 37397 (VCV000037397.3), dbSNP rs397507183, ClinGen allele CA000781.
Genomic context (GRCh38, chr17:43,094,312, plus strand): 5'-CTGAAGAACCAGAATATTCATCTACCTCATTTAGAACGTCCAATACATCAGCTACTTTGG[CATTTGATTCAGACTCCCCATCATGTGAGTCATCAGAACCTAACA>C]GTTCATCACTTCTGGAAAACCACTCATTAACTTTCTGAATGCTGCTATTTAGTGTTATCC-3'

ClinVar aggregate classification (germline): Pathogenic. Review status: reviewed by expert panel (3 of 4 stars). 2 submissions from 2 submitters: Pathogenic (1). 1 of the submissions does not count toward it. Last evaluated 2017-12-15.

Conditions:
Breast-ovarian cancer, familial, susceptibility to, 1 (BROVCA1). Also called: OVARIAN CANCER, SUSCEPTIBILITY TO; BRCA1 Hereditary Breast and Ovarian Cancer. Identifiers: Orphanet 145, MedGen C2676676, MONDO:0011450, OMIM 604370. Disease mechanism: loss of function.

Submissions (2):

Evidence-based Network for the Interpretation of Germline Mutant Alleles (ENIGMA)
Classification: Pathogenic for Breast-ovarian cancer, familial, susceptibility to, 1. Last evaluated: 2017-12-15. Review status: reviewed by expert panel. Criteria: ENIGMA BRCA1/2 Classification Criteria (2017-06-29). Collection method: curation. Allele origin: germline. Study: ENIGMA.
Comment: Variant allele predicted to encode a truncated non-functional protein.

Sharing Clinical Reports Project (SCRP)
Classification: Pathogenic for Breast-ovarian cancer, familial 1. Last evaluated: 2010-06-23. Review status: no assertion criteria provided. Collection method: clinical testing. Allele origin: germline. Not counted in ClinVar's aggregate classification.